The following is an entry in ClinVar:

NM_001283009.2(RTEL1):c.1725C>T (p.Ala575=)

Genes: RTEL1 (regulator of telomere elongation helicase 1; plus strand), RTEL1-TNFRSF6B (RTEL1-TNFRSF6B readthrough (NMD candidate); plus strand). Cytogenetic location: 20q13.33.
Variant type: single nucleotide variant.
Coding change: c.1725C>T on transcript NM_001283009.2 (MANE Select); coding-DNA position 1725, C replaced by T.
Protein change: p.Ala575=; no amino-acid change (alanine 575 retained).
Molecular consequence: synonymous variant. On other transcripts: non-coding transcript variant (1).
Genome position (GRCh38, 1-based): chr20:63,688,530, C>T. VCF-style: chr20-63688530-C-T. GRCh37 (hg19) VCF-style: chr20-62319883-C-T.
Other names: c.1056C>T, p.Ala352= (NM_001283010.1); c.1725C>T, p.Ala575= (NM_016434.4); c.1797C>T, p.Ala599= (NM_032957.5).
Identifiers: ClinVar variation 1013461 (VCV001013461.43), dbSNP rs375696298, ClinGen allele CA9964957.
Genomic context (GRCh38, chr20:63,688,530, plus strand): 5'-CCTCATCGGATCGGCGGCGTGACCAGGGCTGCCGTGTCCCTGCCTCTTCCTCCCACAGGC[C>T]CGCGACTTGGCCAGGAAGATGGAGGCGCTGAAGCCGCTGTTTGTGGAGCCCAGGAGCAAA-3'
Protein context (NP_001269938.1, residues 565-585): VMEKSLEFWR[Ala575=]RDLARKMEAL

ClinVar aggregate classification (germline): Likely benign. Review status: criteria provided, multiple submitters, no conflicts (2 of 4 stars). 3 submissions from 3 submitters: Likely benign (3). Last evaluated 2026-07-01.

Conditions:
Dyskeratosis congenita, autosomal recessive 5 (DKCB5). Identifiers: MedGen C3554656, MONDO:0014076, OMIM 615190.
Pulmonary fibrosis and/or bone marrow failure, Telomere-related, 3. Also called: PULMONARY FIBROSIS AND/OR BONE MARROW FAILURE SYNDROME, TELOMERE-RELATED, 3. Identifiers: Orphanet 2032, MedGen C4225346, MONDO:0014613, OMIM 616373.
Inborn genetic diseases. Identifiers: MedGen C0950123, MeSH D030342.

Allele frequency attached by ClinVar (database versions not stated): ExAC 0.00002.
gnomAD v4.1: 4 of 1,610,434 alleles (0.00025%); highest among the groups gnomAD compares: South Asian, 0.0011%; no homozygotes.

Submissions (3):

CeGaT Center for Human Genetics Tuebingen
Classification: Likely benign. Last evaluated: 2026-07-01. Review status: criteria provided, single submitter. Criteria: CeGaT Center For Human Genetics Tuebingen Variant Classification Criteria Version 2. Collection method: clinical testing. Allele origin: germline. Affected: yes. Observed: 2 variant alleles.
Comment: RTEL1: BP4, BP7

Ambry Genetics
Classification: Likely benign for Inborn genetic diseases. Last evaluated: 2025-09-10. Review status: criteria provided, single submitter. Criteria: Ambry Variant Classification Scheme 2023. Collection method: clinical testing. Allele origin: germline.

Labcorp Genetics (formerly Invitae), Labcorp
Classification: Likely benign for Dyskeratosis congenita, autosomal recessive 5; Pulmonary fibrosis and/or bone marrow failure, Telomere-related, 3. Last evaluated: 2024-04-18. Review status: criteria provided, single submitter. Criteria: Invitae Variant Classification Sherloc (09022015). Collection method: clinical testing. Allele origin: germline.